The following is an entry in ClinVar:

NM_006642.5(SDCCAG8):c.911C>G (p.Thr304Ser)

Gene: SDCCAG8 (SHH signaling and ciliogenesis regulator SDCCAG8; plus strand). Cytogenetic location: 1q43.
Variant type: single nucleotide variant.
Coding change: c.911C>G on transcript NM_006642.5 (MANE Select); coding-DNA position 911, C replaced by G.
Protein change: p.Thr304Ser; replaces threonine 304 with serine.
Molecular consequence: missense variant.
Genome position (GRCh38, 1-based): chr1:243,308,159, C>G. VCF-style: chr1-243308159-C-G. GRCh37 (hg19) VCF-style: chr1-243471461-C-G.
Other names: c.8C>G, p.Thr3Ser (NM_001350246.2, NM_001350247.2, NM_001350251.2); c.1007C>G, p.Thr336Ser (NM_001350248.2); c.617C>G, p.Thr206Ser (NM_001350249.2); short protein forms T304S, T336S, T206S, T3S.
Identifiers: ClinVar variation 4978751 (VCV004978751.1).

ClinVar aggregate classification (germline): Uncertain significance (1 of 4 stars; one submission).

Conditions:
SDCCAG8-related disorder. Also called: SDCCAG8-related condition; SDCCAG8-Related Disorders.

Submission:

PreventionGenetics, part of Exact Sciences
Classification: Uncertain significance for SDCCAG8-related condition. Last evaluated: 2026-01-27. Review status: criteria provided, single submitter. Criteria: ACMG Guidelines, 2015. Collection method: clinical testing. Allele origin: germline.
Comment: The SDCCAG8 c.911C>G variant is predicted to result in the amino acid substitution p.Thr304Ser. To our knowledge, this variant has not been reported in the literature or in a large population database (gnomAD), indicating this variant is rare. At this time, the clinical significance of this variant is uncertain due to the absence of conclusive functional and genetic evidence.